The following is an entry in ClinVar:

NM_015512.5(DNAH1):c.9611G>A (p.Arg3204Gln)

Gene: DNAH1 (dynein axonemal heavy chain 1; plus strand). Cytogenetic location: 3p21.1.
Variant type: single nucleotide variant.
Coding change: c.9611G>A on transcript NM_015512.5 (MANE Select); coding-DNA position 9611, G replaced by A.
Protein change: p.Arg3204Gln; replaces arginine 3204 with glutamine.
Molecular consequence: missense variant.
Genome position (GRCh38, 1-based): chr3:52,389,576, G>A. VCF-style: chr3-52389576-G-A. GRCh37 (hg19) VCF-style: chr3-52423592-G-A.
Other names: short protein forms R3204Q.
Identifiers: ClinVar variation 1518700 (VCV001518700.5), dbSNP rs970203810, ClinGen allele CA74779324.

ClinVar aggregate classification (germline): Uncertain significance. Review status: criteria provided, multiple submitters, no conflicts (2 of 4 stars). 2 submissions from 2 submitters: Uncertain significance (2). Last evaluated 2022-07-28.

Conditions:
Spermatogenic failure 18. Identifiers: MedGen C4539783, MONDO:0054615, OMIM 617576.
Ciliary dyskinesia, primary, 37 (CILD37). Also called: CILIARY DYSKINESIA, PRIMARY, 37, WITH OR WITHOUT SITUS INVERSUS. Identifiers: MedGen C4539798, MONDO:0033204, OMIM 617577.

Allele frequency attached by ClinVar (database versions not stated): TOPMed 0.00002; gnomAD 0.00004.
gnomAD v4.1: 39 of 1,497,388 alleles (0.0026%); highest among the groups gnomAD compares: Non-Finnish European, 0.0033%; no homozygotes.

Submissions (2):

Labcorp Genetics (formerly Invitae), Labcorp
Classification: Uncertain significance for Ciliary dyskinesia, primary, 37; Spermatogenic failure 18. Last evaluated: 2022-07-28. Review status: criteria provided, single submitter. Criteria: Invitae Variant Classification Sherloc (09022015). Collection method: clinical testing. Allele origin: germline.
Comment: In summary, the available evidence is currently insufficient to determine the role of this variant in disease. Therefore, it has been classified as a Variant of Uncertain Significance. Algorithms developed to predict the effect of missense changes on protein structure and function are either unavailable or do not agree on the potential impact of this missense change (SIFT: "Deleterious"; PolyPhen-2: "Possibly Damaging"; Align-GVGD: "Class C0"). ClinVar contains an entry for this variant (Variation ID: 1518700). This variant has not been reported in the literature in individuals affected with DNAH1-related conditions. This variant is present in population databases (no rsID available, gnomAD 0.007%). This sequence change replaces arginine, which is basic and polar, with glutamine, which is neutral and polar, at codon 3204 of the DNAH1 protein (p.Arg3204Gln).

Fulgent Genetics
Classification: Uncertain significance for Spermatogenic failure 18; Ciliary dyskinesia, primary, 37. Last evaluated: 2021-10-31. Review status: criteria provided, single submitter. Criteria: ACMG Guidelines, 2015. Collection method: clinical testing. Allele origin: unknown.